The following is an entry in ClinVar:

ClinVar aggregate classification (germline): Uncertain significance (1 of 4 stars; one submission).

Submission:

GeneDx
Classification: Uncertain significance. Last evaluated: 2026-02-18. Review status: criteria provided, single submitter. Criteria: GeneDx Variant Classification Process June 2021. Collection method: clinical testing. Allele origin: germline.
Comment: Not observed at significant frequency in large population cohorts (gnomAD); In silico analysis suggests that this missense variant does not alter protein structure/function; Has not been previously published as pathogenic or benign to our knowledge

NM_001039591.3(USP9X):c.5572G>A (p.Ala1858Thr)

Gene: USP9X (ubiquitin specific peptidase 9 X-linked; plus strand). Cytogenetic location: Xp11.4.
Variant type: single nucleotide variant.
Coding change: c.5572G>A on transcript NM_001039591.3 (MANE Select); coding-DNA position 5572, G replaced by A.
Protein change: p.Ala1858Thr; replaces alanine 1858 with threonine.
Molecular consequence: missense variant.
Genome position (GRCh38, 1-based): chrX:41,216,139, G>A. VCF-style: chrX-41216139-G-A. GRCh37 (hg19) VCF-style: chrX-41075392-G-A.
Other names: c.5572G>A, p.Ala1858Thr (NM_001039590.3); c.5587G>A, p.Ala1863Thr (NM_001410748.1, NM_001410749.1, NM_001437534.1); short protein forms A1863T, A1858T.
Identifiers: ClinVar variation 5009732 (VCV005009732.1).